The following is an entry in ClinVar:

ClinVar aggregate classification (germline): Uncertain significance. Review status: criteria provided, multiple submitters, no conflicts (2 of 4 stars). 2 submissions from 2 submitters: Uncertain significance (2). Last evaluated 2022-07-12.

Allele frequency attached by ClinVar (database versions not stated): TOPMed 0.00002; ExAC 0.00003; gnomAD 0.00001; gnomAD exomes 0.00002.
gnomAD v4.1: 25 of 1,613,732 alleles (0.0015%); highest among the groups gnomAD compares: Middle Eastern, 0.016%; no homozygotes.

Submissions (2):

Labcorp Genetics (formerly Invitae), Labcorp
Classification: Uncertain significance. Last evaluated: 2022-07-12. Review status: criteria provided, single submitter. Criteria: Invitae Variant Classification Sherloc (09022015). Collection method: clinical testing. Allele origin: germline.
Comment: In summary, the available evidence is currently insufficient to determine the role of this variant in disease. Therefore, it has been classified as a Variant of Uncertain Significance. Algorithms developed to predict the effect of missense changes on protein structure and function are either unavailable or do not agree on the potential impact of this missense change (SIFT: "Tolerated"; PolyPhen-2: "Possibly Damaging"; Align-GVGD: "Class C0"). ClinVar contains an entry for this variant (Variation ID: 436111). This variant has not been reported in the literature in individuals affected with ORC1-related conditions. This variant is present in population databases (rs779410890, gnomAD 0.003%). This sequence change replaces alanine, which is neutral and non-polar, with threonine, which is neutral and polar, at codon 783 of the ORC1 protein (p.Ala783Thr).

Genetic Services Laboratory, University of Chicago
Classification: Uncertain significance. Last evaluated: 2016-08-12. Review status: criteria provided, single submitter. Criteria: ACMG Guidelines, 2015. Collection method: clinical testing. Allele origin: germline. Affected: no.

NM_004153.4(ORC1):c.2347G>A (p.Ala783Thr)

Gene: ORC1 (origin recognition complex subunit 1; minus strand). Cytogenetic location: 1p32.3.
Variant type: single nucleotide variant.
Coding change: c.2347G>A on transcript NM_004153.4 (MANE Select); coding-DNA position 2347, G replaced by A.
Protein change: p.Ala783Thr; replaces alanine 783 with threonine.
Molecular consequence: missense variant.
Genome position (GRCh38, 1-based): chr1:52,374,854, C>T on the plus strand (G>A on the coding strand, the complement: ORC1 is on the minus strand). VCF-style: chr1-52374854-C-T. GRCh37 (hg19) VCF-style: chr1-52840526-C-T.
Other names: c.2347G>A, p.Ala783Thr (NM_001190818.2); c.2332G>A, p.Ala778Thr (NM_001190819.2); short protein forms A783T, A778T.
Identifiers: ClinVar variation 436111 (VCV000436111.11), dbSNP rs779410890, ClinGen allele CA853050.